The following is an entry in ClinVar:

ClinVar aggregate classification (germline): Uncertain significance. Review status: criteria provided, multiple submitters, no conflicts (2 of 4 stars). 2 submissions from 2 submitters: Uncertain significance (2). Last evaluated 2025-09-23.

Conditions:
TCF3-related disorder. Also called: TCF3-related condition.

Submissions (2):

PreventionGenetics, part of Exact Sciences
Classification: Uncertain significance for TCF3-related condition. Last evaluated: 2025-09-23. Review status: criteria provided, single submitter. Criteria: ACMG Guidelines, 2015. Collection method: clinical testing. Allele origin: germline.
Comment: The TCF3 c.1409G>C variant is predicted to result in the amino acid substitution p.Gly470Ala. To our knowledge, this variant has not been reported in the literature or in a large population database (gnomAD), indicating this variant is rare. At this time, the clinical significance of this variant is uncertain due to the absence of conclusive functional and genetic evidence.

Labcorp Genetics (formerly Invitae), Labcorp
Classification: Uncertain significance. Last evaluated: 2025-08-03. Review status: criteria provided, single submitter. Criteria: Invitae Variant Classification Sherloc (09022015). Collection method: clinical testing. Allele origin: germline.
Comment: This sequence change replaces glycine, which is neutral and non-polar, with alanine, which is neutral and non-polar, at codon 470 of the TCF3 protein (p.Gly470Ala). This variant is not present in population databases (gnomAD no frequency). This variant has not been reported in the literature in individuals affected with TCF3-related conditions. Invitae Evidence Modeling of protein sequence and biophysical properties (such as structural, functional, and spatial information, amino acid conservation, physicochemical variation, residue mobility, and thermodynamic stability) indicates that this missense variant is not expected to disrupt TCF3 protein function with a negative predictive value of 80%. In summary, the available evidence is currently insufficient to determine the role of this variant in disease. Therefore, it has been classified as a Variant of Uncertain Significance.

NM_003200.5(TCF3):c.1409G>C (p.Gly470Ala)

Gene: TCF3 (transcription factor 3; minus strand). Cytogenetic location: 19p13.3.
Variant type: single nucleotide variant.
Coding change: c.1409G>C on transcript NM_003200.5 (MANE Select); coding-DNA position 1409, G replaced by C.
Protein change: p.Gly470Ala; replaces glycine 470 with alanine.
Molecular consequence: missense variant.
Genome position (GRCh38, 1-based): chr19:1,619,152, C>G on the plus strand (G>C on the coding strand, the complement: TCF3 is on the minus strand). VCF-style: chr19-1619152-C-G. GRCh37 (hg19) VCF-style: chr19-1619151-C-G.
Other names: c.1409G>C, p.Gly470Ala (NM_001351779.2, NM_001136139.4); c.1409G>C (NM_003200.3); c.1406G>C, p.Gly469Ala (NM_001351778.2); short protein forms G469A, G470A.
Identifiers: ClinVar variation 4766443 (VCV004766443.2).